The following is an entry in ClinVar:

NM_001110556.2(FLNA):c.5686+1G>C

Gene: FLNA (filamin A; minus strand). Cytogenetic location: Xq28.
Variant type: single nucleotide variant.
Coding change: c.5686+1G>C on transcript NM_001110556.2 (MANE Select); the canonical splice donor site of the intron after coding-DNA position 5686, G replaced by C.
Molecular consequence: splice donor variant.
Genome position (GRCh38, 1-based): chrX:154,353,914, C>G on the plus strand (G>C on the coding strand, the complement: FLNA is on the minus strand). VCF-style: chrX-154353914-C-G. GRCh37 (hg19) VCF-style: chrX-153582282-C-G.
Other names: c.5662+1G>C (NM_001456.4).
Identifiers: ClinVar variation 533566 (VCV000533566.8), dbSNP rs1557176315, ClinGen allele CA415200173.

ClinVar aggregate classification (germline): Likely pathogenic (1 of 4 stars; one submission).

Conditions:
Melnick-Needles syndrome (MNS). Also called: MELNICK-NEEDLES OSTEODYSPLASTY; Melnick-Needles Syndrome (FLNA-MNS); OSTEODYSPLASTY OF MELNICK AND NEEDLES. Identifiers: Orphanet 2484, MedGen C0025237, MONDO:0010650, OMIM 309350.
Frontometaphyseal dysplasia (FMD1). Identifiers: Orphanet 1826, MedGen C0265293, MONDO:0015942.
Heterotopia, periventricular, X-linked dominant (PVNH1). Also called: PERIVENTRICULAR NODULAR HETEROTOPIA 4; HETEROTOPIA, PERIVENTRICULAR, 1; PERIVENTRICULAR NODULAR HETEROTOPIA 1; X-linked periventricular heterotopia. Identifiers: Orphanet 2149, Orphanet 82004, MedGen C1848213, MONDO:0010233, OMIM 300049.
Oto-palato-digital syndrome, type II (OPD2). Also called: Otopalatodigital Syndrome Type 2 (FLNA-OPD2); FACIOPALATOOSSEOUS SYNDROME; OPD II SYNDROME; Otopalatodigital Syndrome, Type II. Identifiers: Orphanet 669, Orphanet 90652, MedGen C1844696, MONDO:0010571, OMIM 304120.

Submission:

Labcorp Genetics (formerly Invitae), Labcorp
Classification: Likely pathogenic for Oto-palato-digital syndrome, type II; Heterotopia, periventricular, X-linked dominant; Frontometaphyseal dysplasia; Melnick-Needles syndrome. Last evaluated: 2017-10-24. Review status: criteria provided, single submitter. Criteria: Invitae Variant Classification Sherloc (09022015). Collection method: clinical testing. Allele origin: germline.
Comment: This sequence change affects a donor splice site in intron 34 of the FLNA gene. It is expected to disrupt RNA splicing and likely results in an absent or disrupted protein product. This variant is not present in population databases (ExAC no frequency). This variant has not been reported in the literature in individuals with FLNA-related disease. Algorithms developed to predict the effect of sequence changes on RNA splicing suggest that this variant may disrupt the consensus splice site, but this prediction has not been confirmed by published transcriptional studies. Donor and acceptor splice site variants typically lead to a loss of protein function (PMID: 16199547), and loss-of-function variants in FLNA are known to be pathogenic (PMID: 16684786, 20730588, 26471271). In summary, the currently available evidence indicates that the variant is pathogenic, but additional data are needed to prove that conclusively. Therefore, this variant has been classified as Likely Pathogenic.

Literature cited by the submitters: PubMed 16199547; PubMed 16684786; PubMed 20730588; PubMed 26471271.